The following is an entry in ClinVar:

NM_001220.5(CAMK2B):c.596C>T (p.Ala199Val)

Gene: CAMK2B (calcium/calmodulin dependent protein kinase II beta; minus strand). Cytogenetic location: 7p13.
Variant type: single nucleotide variant.
Coding change: c.596C>T on transcript NM_001220.5 (MANE Select); coding-DNA position 596, C replaced by T.
Protein change: p.Ala199Val; replaces alanine 199 with valine.
Molecular consequence: missense variant.
Genome position (GRCh38, 1-based): chr7:44,243,255, G>A on the plus strand (C>T on the coding strand, the complement: CAMK2B is on the minus strand). VCF-style: chr7-44243255-G-A. GRCh37 (hg19) VCF-style: chr7-44282854-G-A.
Other names: c.596C>T, p.Ala199Val (NM_001293170.2, NM_172078.3, NM_172079.3 and 5 more transcripts); short protein forms A199V.
Identifiers: ClinVar variation 4849224 (VCV004849224.1).

ClinVar aggregate classification (germline): Likely pathogenic (1 of 4 stars; one submission).

Conditions:
Intellectual developmental disorder, autosomal dominant 54. Also called: MENTAL RETARDATION, AUTOSOMAL DOMINANT 54; Intellectual disability, autosomal dominant 54. Identifiers: MedGen C4540484, MONDO:0030920, OMIM 617799.

Submission:

Division of Genetic & Genomic Pathology, Hong Kong Children's Hospital
Classification: Likely pathogenic for Intellectual developmental disorder, autosomal dominant 54. Last evaluated: 2025-05-28. Review status: criteria provided, single submitter. Criteria: ACMG Guidelines, 2015. Collection method: clinical testing. Allele origin: de novo. Affected: yes.
Comment: The missense variant CAMK2B c.596C>T p.(Ala199Val) is located in the catalytic domain (exon 8) of the gene. This variant is absent in population control databases (gnomAD v2.1.1 and v4.1.0) and clinical databases (ClinVar and HGMD Professional 2024.3). REVEL prediction for the missense variant is inconclusive (REVEL score 0.571). However, this variant is predicted to affect splicing by SpliceAI (donor gain delta score 0.99, donor loss delta score 0.41). Testing of the parents’ leukocyte DNA using Sanger sequencing did not detect in the variant. For these reasons, CAMK2B c.596C>T p.(Ala199Val) is classified as likely pathogenic.